The following is an entry in ClinVar:

ClinVar aggregate classification (germline): Likely benign. Review status: criteria provided, multiple submitters, no conflicts (2 of 4 stars). 2 submissions from 2 submitters: Likely benign (2). Last evaluated 2024-05-02.

Allele frequency attached by ClinVar (database versions not stated): ExAC 0.00010; gnomAD 0.00015; TOPMed 0.00025; 1000 Genomes Project 0.00060; 1000 Genomes Project 30x 0.00094.
gnomAD v4.1: 131 of 1,551,592 alleles (0.0084%); highest among the groups gnomAD compares: East Asian, 0.25%; no homozygotes.

Submissions (2):

Blueprint Genetics
Classification: Likely benign. Last evaluated: 2024-05-02. Review status: criteria provided, single submitter. Criteria: ACMG Guidelines, 2015. Collection method: clinical testing. Allele origin: germline.

CeGaT Center for Human Genetics Tuebingen
Classification: Likely benign. Last evaluated: 2024-02-01. Review status: criteria provided, single submitter. Criteria: CeGaT Center For Human Genetics Tuebingen Variant Classification Criteria Version 2. Collection method: clinical testing. Allele origin: germline. Affected: yes. Observed: 1 variant allele.
Comment: SETD1B: PP2, BS1

NM_001353345.2(SETD1B):c.5059G>A (p.Gly1687Ser)

Gene: SETD1B (SET domain containing 1B, histone lysine methyltransferase; plus strand). Cytogenetic location: 12q24.31.
Variant type: single nucleotide variant.
Coding change: c.5059G>A on transcript NM_001353345.2 (MANE Select); coding-DNA position 5059, G replaced by A.
Protein change: p.Gly1687Ser; replaces glycine 1687 with serine.
Molecular consequence: missense variant.
Genome position (GRCh38, 1-based): chr12:121,823,638, G>A. VCF-style: chr12-121823638-G-A. GRCh37 (hg19) VCF-style: chr12-122261544-G-A.
Other names: short protein forms G1687S.
Identifiers: ClinVar variation 3025387 (VCV003025387.23), dbSNP rs553963413, ClinGen allele CA6839250.